The following is an entry in ClinVar:

NM_020738.4(KIDINS220):c.2374C>T (p.Arg792Ter)

Gene: KIDINS220 (kinase D interacting substrate 220; minus strand). Cytogenetic location: 2p25.1.
Variant type: single nucleotide variant.
Coding change: c.2374C>T on transcript NM_020738.4 (MANE Select); coding-DNA position 2374, C replaced by T.
Protein change: p.Arg792Ter; replaces arginine 792 with a stop codon.
Molecular consequence: nonsense. On other transcripts: non-coding transcript variant (2).
Genome position (GRCh38, 1-based): chr2:8,779,136, G>A on the plus strand (C>T on the coding strand, the complement: KIDINS220 is on the minus strand). VCF-style: chr2-8779136-G-A. GRCh37 (hg19) VCF-style: chr2-8919266-G-A.
Other names: c.2377C>T, p.Arg793Ter (NM_001348729.2, NM_001348731.2, NM_001348734.2 and 3 more transcripts); c.2374C>T, p.Arg792Ter (NM_001348732.2, NM_001348735.2, NM_001348738.2 and 3 more transcripts); c.2248C>T, p.Arg750Ter (NM_001348736.2); short protein forms R792*, R793*, R750*.
Identifiers: ClinVar variation 2106447 (VCV002106447.4), dbSNP rs1034611870, ClinGen allele CA42330823.

ClinVar aggregate classification (germline): Pathogenic (1 of 4 stars; one submission).

Allele frequency attached by ClinVar (database versions not stated): gnomAD 0.00001.
gnomAD v4.1: 2 of 1,612,144 alleles (0.00012%); highest among the groups gnomAD compares: East Asian, 0.0022%; no homozygotes.

Submission:

Labcorp Genetics (formerly Invitae), Labcorp
Classification: Pathogenic. Last evaluated: 2022-04-06. Review status: criteria provided, single submitter. Criteria: Invitae Variant Classification Sherloc (09022015). Collection method: clinical testing. Allele origin: germline.
Comment: This variant has not been reported in the literature in individuals affected with KIDINS220-related conditions. For these reasons, this variant has been classified as Pathogenic. This variant is present in population databases (no rsID available, gnomAD 0.06%). This sequence change creates a premature translational stop signal (p.Arg792*) in the KIDINS220 gene. It is expected to result in an absent or disrupted protein product. Loss-of-function variants in KIDINS220 are known to be pathogenic (PMID: 28934391, 32909676).

Literature cited by the submitters: PubMed 28934391; PubMed 32909676.